The following is an entry in ClinVar:

ClinVar aggregate classification (germline): Uncertain significance (1 of 4 stars; one submission).

Conditions:
Charcot-Marie-Tooth disease type 4. Also called: Charcot-Marie-Tooth disease, type IV; Charcot-Marie-Tooth, Type 4. Identifiers: Orphanet 64749, MedGen C4082197, MONDO:0018995.

Allele frequency attached by ClinVar (database versions not stated): TOPMed below 0.00001; gnomAD 0.00001.
gnomAD v4.1: 1 of 1,561,294 alleles (0.000064%); highest among the groups gnomAD compares: Admixed American, 0.0019%; no homozygotes.

Submission:

Labcorp Genetics (formerly Invitae), Labcorp
Classification: Uncertain significance for Charcot-Marie-Tooth disease type 4. Last evaluated: 2022-12-02. Review status: criteria provided, single submitter. Criteria: Invitae Variant Classification Sherloc (09022015). Collection method: clinical testing. Allele origin: germline.
Comment: In summary, the available evidence is currently insufficient to determine the role of this variant in disease. Therefore, it has been classified as a Variant of Uncertain Significance. Advanced modeling of protein sequence and biophysical properties (such as structural, functional, and spatial information, amino acid conservation, physicochemical variation, residue mobility, and thermodynamic stability) performed at Invitae indicates that this missense variant is not expected to disrupt MTMR2 protein function. ClinVar contains an entry for this variant (Variation ID: 1523049). This variant has not been reported in the literature in individuals affected with MTMR2-related conditions. This variant is not present in population databases (gnomAD no frequency). This sequence change replaces serine, which is neutral and polar, with threonine, which is neutral and polar, at codon 12 of the MTMR2 protein (p.Ser12Thr).

NM_016156.6(MTMR2):c.34T>A (p.Ser12Thr)

Gene: MTMR2 (myotubularin related protein 2; minus strand). Cytogenetic location: 11q21.
Variant type: single nucleotide variant.
Coding change: c.34T>A on transcript NM_016156.6 (MANE Select); coding-DNA position 34, T replaced by A.
Protein change: p.Ser12Thr; replaces serine 12 with threonine.
Molecular consequence: missense variant. On other transcripts: 5 prime UTR variant (3).
Genome position (GRCh38, 1-based): chr11:95,923,921, A>T on the plus strand (T>A on the coding strand, the complement: MTMR2 is on the minus strand). VCF-style: chr11-95923921-A-T. GRCh37 (hg19) VCF-style: chr11-95657085-A-T.
Other names: c.-450T>A (NM_001243571.2); c.-377T>A (NM_201278.3); c.-254T>A (NM_201281.3); short protein forms S12T.
Identifiers: ClinVar variation 1523049 (VCV001523049.8), dbSNP rs1867035083, ClinGen allele CA382416472.